The following is an entry in ClinVar:

ClinVar aggregate classification (germline): Conflicting classifications of pathogenicity. Review status: criteria provided, conflicting classifications (1 of 4 stars). 2 submissions from 2 submitters: Uncertain significance (1); Likely benign (1). Last evaluated 2021-02-11.

Allele frequency attached by ClinVar (database versions not stated): ExAC 0.00001; gnomAD 0.00001; gnomAD exomes 0.00001; TOPMed 0.00001.
gnomAD v4.1: 21 of 1,614,006 alleles (0.0013%); highest among the groups gnomAD compares: Middle Eastern, 0.016%; no homozygotes.

Submissions (2):

Blueprint Genetics
Classification: Likely benign. Last evaluated: 2021-02-11. Review status: criteria provided, single submitter. Criteria: ACMG Guidelines, 2015. Collection method: clinical testing. Allele origin: germline.

GeneDx
Classification: Uncertain significance. Last evaluated: 2020-11-17. Review status: criteria provided, single submitter. Criteria: GeneDx Variant Classification Process June 2021. Collection method: clinical testing. Allele origin: germline. Affected: yes.
Comment: In silico analysis supports that this missense variant does not alter protein structure/function; Has not been previously published as pathogenic or benign to our knowledge

NM_001042517.2(DIAPH3):c.3472T>C (p.Cys1158Arg)

Gene: DIAPH3 (diaphanous related formin 3; minus strand). Cytogenetic location: 13q21.2.
Variant type: single nucleotide variant.
Coding change: c.3472T>C on transcript NM_001042517.2 (MANE Select); coding-DNA position 3472, T replaced by C.
Protein change: p.Cys1158Arg; replaces cysteine 1158 with arginine.
Molecular consequence: missense variant.
Genome position (GRCh38, 1-based): chr13:59,666,694, A>G on the plus strand (T>C on the coding strand, the complement: DIAPH3 is on the minus strand). VCF-style: chr13-59666694-A-G. GRCh37 (hg19) VCF-style: chr13-60240828-A-G.
Other names: c.3439T>C, p.Cys1147Arg (NM_001258366.2); c.3334T>C, p.Cys1112Arg (NM_001258367.2); c.3262T>C, p.Cys1088Arg (NM_001258368.2); short protein forms C1088R, C1112R, C1147R, C1158R.
Identifiers: ClinVar variation 1313654 (VCV001313654.3), dbSNP rs767517331, ClinGen allele CA6996024.